The following is an entry in ClinVar:

ClinVar aggregate classification (germline): Uncertain significance (1 of 4 stars; one submission).

Conditions:
Hereditary cancer-predisposing syndrome. Also called: Neoplastic Syndromes, Hereditary; Tumor predisposition; Hereditary neoplastic syndrome; Hereditary Cancer Syndrome. Identifiers: Orphanet 140162, MedGen C0027672, MeSH D009386, MONDO:0015356.

Submission:

Ambry Genetics
Classification: Uncertain significance for Hereditary cancer-predisposing syndrome. Last evaluated: 2026-07-25. Review status: criteria provided, single submitter. Criteria: Ambry Variant Classification Scheme 2023. Collection method: clinical testing. Allele origin: germline.
Comment: The p.S814F variant (also known as c.2441C>T), located in coding exon 21 of the POLE gene, results from a C to T substitution at nucleotide position 2441. The serine at codon 814 is replaced by phenylalanine, an amino acid with highly dissimilar properties. This amino acid position is conserved. In addition, this alteration is predicted to be deleterious by in silico analysis. Based on the available evidence, the clinical significance of this variant remains unclear.

NM_006231.4(POLE):c.2441C>T (p.Ser814Phe)

Gene: POLE (DNA polymerase epsilon, catalytic subunit; minus strand). Cytogenetic location: 12q24.33.
Variant type: single nucleotide variant.
Coding change: c.2441C>T on transcript NM_006231.4 (MANE Select); coding-DNA position 2441, C replaced by T.
Protein change: p.Ser814Phe; replaces serine 814 with phenylalanine.
Molecular consequence: missense variant.
Genome position (GRCh38, 1-based): chr12:132,665,329, G>A on the plus strand (C>T on the coding strand, the complement: POLE is on the minus strand). VCF-style: chr12-132665329-G-A. GRCh37 (hg19) VCF-style: chr12-133241915-G-A.
Other names: short protein forms S814F.
Identifiers: ClinVar variation 5027030 (VCV005027030.1).